The following is an entry in ClinVar:

ClinVar aggregate classification (germline): Pathogenic/Likely pathogenic. Review status: criteria provided, multiple submitters, no conflicts (2 of 4 stars). 2 submissions from 2 submitters: Pathogenic (1); Likely pathogenic (1). Last evaluated 2025-11-26.

Conditions:
Odonto-onycho-dermal dysplasia. Identifiers: Orphanet 2721, MedGen C0796093, MONDO:0009773, OMIM 257980.
Tooth agenesis, selective, 4 (STHAG4). Also called: LATERAL INCISORS, ABSENCE OF; LATERAL INCISORS, PEGGED OR MISSING; SUCCEDANEOUS TEETH, AGENESIS OF; TOOTH AGENESIS, SELECTIVE, 4, WITH OR WITHOUT ECTODERMAL DYSPLASIA. Identifiers: Orphanet 99798, MedGen C1835492, MONDO:0007881, OMIM 150400. Disease mechanism: loss of function.
Ectodermal dysplasia. Also called: Ectodermal dysplasia syndrome. Identifiers: Orphanet 79373, MedGen C0013575, MONDO:0019287, HP:0000968.

Submissions (2):

Genetics Laboratory, Great Ormond Street Hospital NHS Foundation Trust, North Thames Genomic Laboratory Hub
Classification: Likely pathogenic for Ectodermal dysplasia. Last evaluated: 2025-11-26. Review status: criteria provided, single submitter. Criteria: ACGS Best Practice Guidelines for Variant Classification in Rare Disease 2024 v1.2. Collection method: clinical testing. Allele origin: germline. Affected: yes.
Comment: PM2_moderate, PVS1_strong

Labcorp Genetics (formerly Invitae), Labcorp
Classification: Pathogenic for Tooth agenesis, selective, 4; Odonto-onycho-dermal dysplasia. Last evaluated: 2023-06-07. Review status: criteria provided, single submitter. Criteria: Invitae Variant Classification Sherloc (09022015). Collection method: clinical testing. Allele origin: germline.
Comment: This sequence change creates a premature translational stop signal (p.Glu282*) in the WNT10A gene. While this is not anticipated to result in nonsense mediated decay, it is expected to disrupt the last 136 amino acid(s) of the WNT10A protein. This variant is not present in population databases (gnomAD no frequency). This variant has not been reported in the literature in individuals affected with WNT10A-related conditions. This variant disrupts a region of the WNT10A protein in which other variant(s) (p.Glu390*) have been determined to be pathogenic (PMID: 24902757). This suggests that this is a clinically significant region of the protein, and that variants that disrupt it are likely to be disease-causing. For these reasons, this variant has been classified as Pathogenic.

Literature cited by the submitters: PubMed 24902757 (cited by Labcorp Genetics (formerly Invitae), Labcorp).

NM_025216.3(WNT10A):c.844G>T (p.Glu282Ter)

Gene: WNT10A (Wnt family member 10A; plus strand). Cytogenetic location: 2q35.
Variant type: single nucleotide variant.
Coding change: c.844G>T on transcript NM_025216.3 (MANE Select); coding-DNA position 844, G replaced by T.
Protein change: p.Glu282Ter; replaces glutamic acid 282 with a stop codon.
Molecular consequence: nonsense.
Genome position (GRCh38, 1-based): chr2:218,892,861, G>T. VCF-style: chr2-218892861-G-T. GRCh37 (hg19) VCF-style: chr2-219757583-G-T.
Other names: short protein forms E282*.
Identifiers: ClinVar variation 2947564 (VCV002947564.4), dbSNP rs763506612, ClinGen allele CA350589787.